The following is an entry in ClinVar:

ClinVar aggregate classification (germline): Uncertain significance (1 of 4 stars; one submission).

Conditions:
Marfan syndrome (MFS). Also called: MARFAN SYNDROME, TYPE I; Marfan syndrome type 1; Marfan's syndrome; Marfan syndrome, classic; FBN1-Related Marfan Syndrome. Identifiers: Orphanet 284963, Orphanet 558, MedGen C0024796, MONDO:0007947, OMIM 154700.

Submission:

All of Us Research Program, National Institutes of Health
Classification: Uncertain significance for Marfan syndrome. Last evaluated: 2023-04-27. Review status: criteria provided, single submitter. Criteria: ACMG Guidelines, 2015. Collection method: clinical testing. Allele origin: germline. Inheritance: Autosomal dominant inheritance. Observed: 1 variant allele, 1 heterozygote.
Comment: This study involves interpretation of variants in research participants for the purpose of population health screening. Participant phenotype was not available at the time of variant classification. Additional details can be found in publication PMID: 35346344, PMCID: PMC8962531

NM_000138.5(FBN1):c.160A>C (p.Lys54Gln)

Gene: FBN1 (fibrillin 1; minus strand). Cytogenetic location: 15q21.1.
Variant type: single nucleotide variant.
Coding change: c.160A>C on transcript NM_000138.5 (MANE Select); coding-DNA position 160, A replaced by C.
Protein change: p.Lys54Gln; replaces lysine 54 with glutamine.
Molecular consequence: missense variant.
Genome position (GRCh38, 1-based): chr15:48,644,610, T>G on the plus strand (A>C on the coding strand, the complement: FBN1 is on the minus strand). VCF-style: chr15-48644610-T-G. GRCh37 (hg19) VCF-style: chr15-48936807-T-G.
Other names: c.160A>C, p.Lys54Gln (NM_001406716.1, NM_001406717.1, NM_001406718.1); short protein forms K54Q.
Identifiers: ClinVar variation 3070481 (VCV003070481.1), dbSNP rs2505821721, ClinGen allele CA392453431.